The following is an entry in ClinVar:

ClinVar aggregate classification (germline): Likely pathogenic (1 of 4 stars; one submission).

Conditions:
Pyridoxine-dependent epilepsy (EPEO4). Also called: Pyridoxine-Dependent Epilepsy - ALDH7A1; EPILEPSY, EARLY-ONSET, 4, VITAMIN B6-DEPENDENT; PYRIDOXINE DEPENDENCY WITH SEIZURES; Pyridoxine-Dependent Seizures. Identifiers: Orphanet 3006, MedGen C1849508, MONDO:0009945, OMIM 266100. Disease mechanism: loss of function.

Submission:

Labcorp Genetics (formerly Invitae), Labcorp
Classification: Likely pathogenic for Pyridoxine-dependent epilepsy. Last evaluated: 2019-04-09. Review status: criteria provided, single submitter. Criteria: Invitae Variant Classification Sherloc (09022015). Collection method: clinical testing. Allele origin: germline.
Comment: This sequence change replaces asparagine with aspartic acid at codon 300 of the ALDH7A1 protein (p.Asn300Asp). The asparagine residue is highly conserved and there is a small physicochemical difference between asparagine and aspartic acid. This variant is not present in population databases (ExAC no frequency). This variant has been observed to segregate with pyridoxine-dependent epilepsy in a family (Invitae). Algorithms developed to predict the effect of missense changes on protein structure and function are either unavailable or do not agree on the potential impact of this missense change (SIFT: "Deleterious"; PolyPhen-2: "Probably Damaging"; Align-GVGD: "Class C0"). In summary, the currently available evidence indicates that the variant is pathogenic, but additional data are needed to prove that conclusively. Therefore, this variant has been classified as Likely Pathogenic.

NM_001182.5(ALDH7A1):c.898A>G (p.Asn300Asp)

Gene: ALDH7A1 (aldehyde dehydrogenase 7 family member A1; minus strand). Cytogenetic location: 5q23.2.
Variant type: single nucleotide variant.
Coding change: c.898A>G on transcript NM_001182.5 (MANE Select); coding-DNA position 898, A replaced by G.
Protein change: p.Asn300Asp; replaces asparagine 300 with aspartic acid.
Molecular consequence: missense variant.
Genome position (GRCh38, 1-based): chr5:126,561,098, T>C on the plus strand (A>G on the coding strand, the complement: ALDH7A1 is on the minus strand). VCF-style: chr5-126561098-T-C. GRCh37 (hg19) VCF-style: chr5-125896790-T-C.
Other names: c.814A>G, p.Asn272Asp (NM_001201377.2); c.898A>G, p.Asn300Asp (NM_001202404.2); short protein forms N300D, N272D.
Identifiers: ClinVar variation 848984 (VCV000848984.10), dbSNP rs1750388096, ClinGen allele CA360726920.
Genomic context (GRCh38, chr5:126,561,098, plus strand): 5'-TGGAAACTGAACAGAAAACAAACAAAAACAAAGAGGCAGCCTTACCAATAATGGCATTGT[T>C]TCCTCCAAGTTCCAACAGACTTCTCCCTTAAAAGAAAAAAATTATATATAAAAATTAATG-3'
Protein context (NP_001173.2, residues 290-310): FGRSLLELGG[Asn300Asp]NAIIAFEDAD